The following is an entry in ClinVar:

NM_000051.4(ATM):c.9050T>A (p.Leu3017Gln)

Genes: ATM (ATM serine/threonine kinase; plus strand), C11orf65 (chromosome 11 open reading frame 65; minus strand). Cytogenetic location: 11q22.3.
Variant type: single nucleotide variant.
Coding change: c.9050T>A on transcript NM_000051.4 (MANE Select); coding-DNA position 9050, T replaced by A.
Protein change: p.Leu3017Gln; replaces leucine 3017 with glutamine.
Molecular consequence: missense variant. On other transcripts: intron variant (2).
Genome position (GRCh38, 1-based): chr11:108,365,387, T>A. VCF-style: chr11-108365387-T-A. GRCh37 (hg19) VCF-style: chr11-108236114-T-A.
Other names: c.9050T>A, p.Leu3017Gln (NM_001351834.2); c.640+20533A>T (NM_001330368.2); c.694+20533A>T (NM_001351110.2); short protein forms L3017Q.
Identifiers: ClinVar variation 1765605 (VCV001765605.2), dbSNP rs786204218, ClinGen allele CA382531491.

ClinVar aggregate classification (germline): Uncertain significance (1 of 4 stars; one submission).

Conditions:
Hereditary cancer-predisposing syndrome. Also called: Hereditary neoplastic syndrome; Neoplastic Syndromes, Hereditary; Tumor predisposition; Hereditary Cancer Syndrome. Identifiers: Orphanet 140162, MedGen C0027672, MeSH D009386, MONDO:0015356.

Submission:

Ambry Genetics
Classification: Uncertain significance for Hereditary cancer-predisposing syndrome. Last evaluated: 2020-01-13. Review status: criteria provided, single submitter. Criteria: Ambry Variant Classification Scheme 2023. Collection method: clinical testing. Allele origin: germline.
Comment: The p.L3017Q variant (also known as c.9050T>A), located in coding exon 62 of the ATM gene, results from a T to A substitution at nucleotide position 9050. The leucine at codon 3017 is replaced by glutamine, an amino acid with dissimilar properties. This amino acid position is highly conserved in available vertebrate species. In addition, the in silico prediction for this alteration is inconclusive. Since supporting evidence is limited at this time, the clinical significance of this alteration remains unclear.